The following is an entry in ClinVar:

NM_001035.3(RYR2):c.9813G>A (p.Glu3271=)

Gene: RYR2 (ryanodine receptor 2; plus strand). Cytogenetic location: 1q43.
Variant type: single nucleotide variant.
Coding change: c.9813G>A on transcript NM_001035.3 (MANE Select); coding-DNA position 9813, G replaced by A.
Protein change: p.Glu3271=; no amino-acid change (glutamic acid 3271 retained).
Molecular consequence: synonymous variant.
Genome position (GRCh38, 1-based): chr1:237,707,181, G>A. VCF-style: chr1-237707181-G-A. GRCh37 (hg19) VCF-style: chr1-237870481-G-A.
Other names: c.9813G>A (NM_001035.2).
Identifiers: ClinVar variation 928259 (VCV000928259.17), dbSNP rs757310700, ClinGen allele CA087961.
Genomic context (GRCh38, chr1:237,707,181, plus strand): 5'-GCATGGACCTGAGAACAATCCAGAACGGGCCGAGATGTGCTGCACAGCCCTGAACTCAGA[G>A]CACATGAACACACTTCTAGGGAACATATTGAAAATCATATATAATAACTTGGGGATTGAT-3'
Protein context (NP_001026.2, residues 3261-3281): AEMCCTALNS[Glu3271=]HMNTLLGNIL

ClinVar aggregate classification (germline): Benign/Likely benign. Review status: criteria provided, multiple submitters, no conflicts (2 of 4 stars). 5 submissions from 5 submitters: Benign (1); Likely benign (4). Last evaluated 2025-09-23.

Conditions:
Cardiomyopathy (CMYO). Also called: Cardiomyopathies. Identifiers: Orphanet 167848, MedGen C0878544, MONDO:0004994, HP:0001638. Inheritance: Various modes of inheritance.
Cardiovascular phenotype. Identifiers: MedGen CN230736.
Catecholaminergic polymorphic ventricular tachycardia (CVPT). Also called: Catecholamine-induced polymorphic ventricular tachycardia. Identifiers: Orphanet 3286, MedGen C5574922, MONDO:0017990.
Catecholaminergic polymorphic ventricular tachycardia 1. Also called: VENTRICULAR TACHYCARDIA, CATECHOLAMINERGIC POLYMORPHIC, 1, WITH OR WITHOUT ATRIAL DYSFUNCTION AND/OR DILATED CARDIOMYOPATHY; VENTRICULAR TACHYCARDIA, STRESS-INDUCED POLYMORPHIC 1; RYR2-Related Catecholaminergic Polymorphic Ventricular Tachycardia. Identifiers: Orphanet 3286, MedGen C1631597, MONDO:0011484, OMIM 604772.

Allele frequency attached by ClinVar (database versions not stated): gnomAD 0.00001; gnomAD exomes 0.00001 and 0.00004; TOPMed 0.00001; ExAC 0.00007.
gnomAD v4.1: 17 of 1,613,182 alleles (0.0011%); highest among the groups gnomAD compares: African/African-American, 0.0013%; no homozygotes.

Submissions (5):

Labcorp Genetics (formerly Invitae), Labcorp
Classification: Likely benign for Catecholaminergic polymorphic ventricular tachycardia 1. Last evaluated: 2025-09-23. Review status: criteria provided, single submitter. Criteria: Invitae Variant Classification Sherloc (09022015). Collection method: clinical testing. Allele origin: germline.

All of Us Research Program, National Institutes of Health
Classification: Likely benign for Catecholaminergic polymorphic ventricular tachycardia. Last evaluated: 2024-01-08. Review status: criteria provided, single submitter. Criteria: ACMG Guidelines, 2015. Collection method: clinical testing. Allele origin: germline. Inheritance: Autosomal dominant inheritance. Observed: 5 variant alleles, 5 heterozygotes.
Comment: This study involves interpretation of variants in research participants for the purpose of population health screening. Participant phenotype was not available at the time of variant classification. Additional details can be found in publication PMID: 35346344, PMCID: PMC8962531

Ambry Genetics
Classification: Likely benign for Cardiovascular phenotype. Last evaluated: 2021-01-20. Review status: criteria provided, single submitter. Criteria: Ambry Variant Classification Scheme 2023. Collection method: clinical testing. Allele origin: germline.

Color Diagnostics, LLC DBA Color Health
Classification: Likely benign for Cardiomyopathy. Last evaluated: 2019-09-09. Review status: criteria provided, single submitter. Criteria: ACMG Guidelines, 2015. Collection method: clinical testing. Allele origin: germline.

GeneDx
Classification: Benign. Last evaluated: 2015-03-03. Review status: criteria provided, single submitter. Criteria: GeneDx Variant Classification Process June 2021. Collection method: clinical testing. Allele origin: germline. Affected: yes.